The following is an entry in ClinVar:

ClinVar aggregate classification (germline): Pathogenic (1 of 4 stars; one submission).

Submission:

CeGaT Center for Human Genetics Tuebingen
Classification: Pathogenic. Last evaluated: 2024-06-01. Review status: criteria provided, single submitter. Criteria: CeGaT Center For Human Genetics Tuebingen Variant Classification Criteria Version 2. Collection method: clinical testing. Allele origin: germline. Affected: yes. Observed: 1 variant allele.
Comment: ITK: PVS1, PM2, PM3

NM_005546.4(ITK):c.929del (p.Lys310fs)

Gene: ITK (IL2 inducible T cell kinase; plus strand). Cytogenetic location: 5q33.3.
Variant type: Deletion.
Coding change: c.929del on transcript NM_005546.4 (MANE Select); coding-DNA position 929, one base deleted (A; older notation c.929delA).
Protein change: p.Lys310fs; shifts the reading frame from lysine 310.
Molecular consequence: frameshift variant.
Genome position (GRCh38, 1-based): chr5:157,240,139, A deleted; the last of 4 consecutive A bases (chr5:157,240,136-157,240,139); deleting any one gives the same sequence. VCF-style (leftmost placement, unchanged base first): chr5-157240135-GA-G. GRCh37 (hg19) VCF-style: chr5-156667145-GA-G.
Other names: short protein forms K310fs.
Identifiers: ClinVar variation 3251232 (VCV003251232.18), dbSNP rs2480598071.
Genomic context (GRCh38, chr5:157,240,135, plus strand): 5'-TGTATAAAGCATTATCACATCAAGGAAACAAATGACAATCCTAAGCGATACTATGTGGCT[GA>G]AAAGTATGTGTTCGATTCCATCCCTCTTCTCATCAACTATCACCAACATAATGGAGGAGG-3'